The following is an entry in ClinVar:

ClinVar aggregate classification (germline): Benign/Likely benign. Review status: criteria provided, multiple submitters, no conflicts (2 of 4 stars). 23 submissions from 22 submitters: Benign (12); Likely benign (5). 6 of the submissions do not count toward it. Last evaluated 2026-09-01.

Conditions:
Cardiovascular phenotype. Identifiers: MedGen CN230736.
Primary dilated cardiomyopathy (DCM). Also called: Dilated Cardiomyopathy. Identifiers: Orphanet 217604, MedGen C0007193, MeSH D002311, MONDO:0005021, HP:0001644. Inheritance: Various modes of inheritance.
Cardiomyopathy (CMYO). Also called: Cardiomyopathies. Identifiers: Orphanet 167848, MedGen C0878544, MONDO:0004994, HP:0001638. Inheritance: Various modes of inheritance.
Dilated cardiomyopathy 1BB (CMD1BB). Also called: CARDIOMYOPATHY, DILATED, 1BB, SUSCEPTIBILITY TO. Identifiers: Orphanet 154, MedGen C2752072, MONDO:0013030, OMIM 612877.
Arrhythmogenic right ventricular dysplasia 10. Also called: Arrhythmogenic right ventricular dysplasia/cardiomyopathy, type 10; Arrhythmogenic Right Ventricular Dysplasia/Cardiomyopathy10; ARRHYTHMOGENIC RIGHT VENTRICULAR DYSPLASIA, FAMILIAL, 10. Identifiers: MedGen C1857777, MONDO:0012434, OMIM 610193.
Arrhythmogenic right ventricular cardiomyopathy (ARVD). Also called: Arrhythmogenic Right Ventricular Cardiomyopathy (ARVC); Cardiomyopathy, ARVC; Arrhythmogenic right ventricular dysplasia; Arrhythmogenic cardiomyopathy. Identifiers: Orphanet 247, MedGen C0349788, MeSH D019571, MONDO:0016587. Disease mechanism: loss of function. Inheritance: Various modes of inheritance.
Arrhythmogenic right ventricular dysplasia 1. Identifiers: Orphanet 3403, MedGen C1862511, MONDO:0007152, OMIM 107970.

Allele frequency attached by ClinVar (database versions not stated): TOPMed 0.00498; gnomAD 0.00508 and 0.00550; ESP Exome Variant Server 0.00617; 1000 Genomes Project 0.00140; ExAC 0.00538; 1000 Genomes Project 30x 0.00141.
gnomAD v4.1: 11,483 of 1,613,620 alleles (0.71%); highest among the groups gnomAD compares: Non-Finnish European, 0.85%; 51 homozygotes.

Submissions (23):

CeGaT Center for Human Genetics Tuebingen
Classification: Likely benign. Last evaluated: 2026-09-01. Review status: criteria provided, single submitter. Criteria: CeGaT Center For Human Genetics Tuebingen Variant Classification Criteria Version 2. Collection method: clinical testing. Allele origin: germline. Affected: yes. Observed: 29 variant alleles.
Comment: DSG2: BP4, BS2

Labcorp Genetics (formerly Invitae), Labcorp
Classification: Benign for Arrhythmogenic right ventricular dysplasia 10. Last evaluated: 2026-02-03. Review status: criteria provided, single submitter. Criteria: Invitae Variant Classification Sherloc (09022015). Collection method: clinical testing. Allele origin: germline.

ARUP Laboratories, Molecular Genetics and Genomics, ARUP Laboratories
Classification: Benign. Last evaluated: 2025-04-11. Review status: criteria provided, single submitter. Criteria: ARUP Molecular Germline Variant Investigation Process 2024. Collection method: clinical testing. Allele origin: germline.

Blueprint Genetics
Classification: Likely benign. Last evaluated: 2024-11-28. Review status: criteria provided, single submitter. Criteria: ACMG Guidelines, 2015. Collection method: clinical testing. Allele origin: germline.

All of Us Research Program, National Institutes of Health
Classification: Benign for Arrhythmogenic right ventricular cardiomyopathy. Last evaluated: 2024-09-28. Review status: criteria provided, single submitter. Criteria: ACMG Guidelines, 2015. Collection method: clinical testing. Allele origin: germline. Inheritance: Autosomal dominant inheritance. Observed: 1,769 variant alleles, 1,760 heterozygotes, 9 homozygotes.
Comment: This study involves interpretation of variants in research participants for the purpose of population health screening. Participant phenotype was not available at the time of variant classification. Additional details can be found in publication PMID: 35346344, PMCID: PMC8962531

Fulgent Genetics
Classification: Likely benign for Arrhythmogenic right ventricular dysplasia 10; Dilated cardiomyopathy 1BB. Last evaluated: 2022-04-22. Review status: criteria provided, single submitter. Criteria: ACMG Guidelines, 2015. Collection method: clinical testing. Allele origin: unknown.

Center for Advanced Laboratory Medicine, UC San Diego Health, University of California San Diego
Classification: Benign for Dilated cardiomyopathy; Cardiomyopathy. Last evaluated: 2019-06-11. Review status: criteria provided, single submitter. Criteria: ACMG Guidelines, 2015. Collection method: clinical testing. Allele origin: germline. Affected: yes. Observed: 3 variant alleles.

Color Diagnostics, LLC DBA Color Health
Classification: Benign for Cardiomyopathy. Last evaluated: 2018-04-09. Review status: criteria provided, single submitter. Criteria: ACMG Guidelines, 2015. Collection method: clinical testing. Allele origin: germline.

Laboratory for Molecular Medicine, Mass General Brigham Personalized Medicine
Classification: Benign. Last evaluated: 2017-10-11. Review status: criteria provided, single submitter. Criteria: LMM Criteria. Collection method: clinical testing. Allele origin: germline. Observed: 22 variant alleles.
Comment: p.Val158Gly in exon 5 of DSG2: This variant is not expected to have clinical sig nificance because it is not located within the splice consensus sequence and has been identified in 0.8% (212/25742) of Finnish chromosomes by the Genome Aggreg ation Database (gnomAD; dbSNP rs191143292). AC MG/AMP Criteria applied: BA1 (Richards 2015).

Mayo Clinic Laboratories, Mayo Clinic
Classification: Benign. Last evaluated: 2016-07-12. Review status: criteria provided, single submitter. Criteria: ACMG Guidelines, 2015. Collection method: clinical testing. Allele origin: germline. Observed: 11 variant alleles.

Women's Health and Genetics/Laboratory Corporation of America, LabCorp
Classification: Benign. Last evaluated: 2016-01-26. Review status: criteria provided, single submitter. Criteria: LabCorp Variant Classification Summary - May 2015. Collection method: clinical testing. Allele origin: germline.
Comment: Variant summary: This c.473T>G variant affects a conserved nucleotide, resulting in amino acid change from Val to Gly. 3/4 in-silico tools predict this variant to be damaging; however, results from in silico prediction are not definitive. This variant was found in 674/124228 control chromosomes including the broad and large populations from ExAC at a frequency of 0.0054255, which is more than 216 times greater than the maximal expected frequency of a pathogenic allele (0.000025) in this gene, suggesting this variant is benign. In addition, three homozygotes have also been reported from the European (Non-Finnish) population from ExAC, further supporting its benign outcome for the dominant disorders associated with this gene. This variant has been reported in literature in many patients with varying cardiological phenotypes, namely ARVD, DCM, Brugada Syndrome, and Arrhythmia; however, without strong evidence for causality. Rather, this variant was reported to co-occur with DSG2 R46Q and PKP2 p.L452X, supporting for a benign outcome. The variant has also been reported in an unaffected relative of an ARVD family, suggesting a lack of cosegregation (Syrris_2007). Multiple clinical labs have classified this variant as benign/likely benign. Taken together, this variant has been classified as Benign.

Ambry Genetics
Classification: Benign for Cardiovascular phenotype. Last evaluated: 2015-11-20. Review status: criteria provided, single submitter. Criteria: Ambry Variant Classification Scheme 2023. Collection method: clinical testing. Allele origin: germline.

Eurofins Ntd Llc (ga)
Classification: Likely benign. Last evaluated: 2015-03-18. Review status: criteria provided, single submitter. Criteria: EGL Classification Definitions 2015. Collection method: clinical testing. Allele origin: germline. Observed: 1 variant allele, 1 heterozygote.

CSER _CC_NCGL, University of Washington
Classification: Likely benign for Arrhythmogenic right ventricular dysplasia. Last evaluated: 2015-03-11. Review status: criteria provided, single submitter. Criteria: Amendola et al. (Genome Res. 2015). Collection method: research. Allele origin: germline. Inheritance: Autosomal dominant inheritance. Study: CSER - NEXT Medicine variant annotation.

Biesecker Lab/Clinical Genomics Section, National Institutes of Health
Classification: Benign for Cardiomyopathy, arrhythmogenic right ventricular. Last evaluated: 2013-06-24. Review status: criteria provided, single submitter. Criteria: Ng et al. (Circ Cardiovasc Genet. 2013). Collection method: research. Allele origin: unknown. Observed: 11 variant alleles. Study: ClinSeq.
Comment: The study set was not selected for affection status in relation to any cancer. Pathogenicity categories were based on literature curation. See Pubmed ID:23861362 for details.

Medical sequencing

GeneDx
Classification: Benign. Last evaluated: 2012-05-01. Review status: criteria provided, single submitter. Criteria: GeneDx Variant Classification (06012015). Collection method: clinical testing. Allele origin: germline. Affected: yes.
Comment: This variant is considered likely benign or benign based on one or more of the following criteria: it is a conservative change, it occurs at a poorly conserved position in the protein, it is predicted to be benign by multiple in silico algorithms, and/or has population frequency not consistent with disease.

Molecular Diagnostic Laboratory for Inherited Cardiovascular Disease, Montreal Heart Institute
Classification: Benign for Arrhythmogenic right ventricular cardiomyopathy. Review status: criteria provided, single submitter. Criteria: ACMG Guidelines, 2015. Collection method: clinical testing. Allele origin: germline. Affected: yes.

CSER _CC_NCGL, University of Washington
Classification: Likely benign for Cardiomyopathy, arrhythmogenic right ventricular. Last evaluated: 2014-06-01. Review status: no assertion criteria provided. Collection method: research. Allele origin: germline. Inheritance: Autosomal dominant inheritance. Study: ESP 6500 variant annotation. Not counted in ClinVar's aggregate classification.
Comment: Variants classified for the Actionable exomic incidental findings in 6503 participants: challenges of variant classification manuscript

Clinical Genetics DNA and cytogenetics Diagnostics Lab, Erasmus MC, Erasmus Medical Center
Classification: Benign. Review status: no assertion criteria provided. Collection method: clinical testing. Allele origin: germline. Affected: yes. Study: VKGL Data-share Consensus. Not counted in ClinVar's aggregate classification.

Clinical Genetics, Academic Medical Center
Classification: Benign. Review status: no assertion criteria provided. Collection method: clinical testing. Allele origin: germline. Affected: yes. Study: VKGL Data-share Consensus. Not counted in ClinVar's aggregate classification.

Diagnostic Laboratory, Department of Genetics, University Medical Center Groningen
Classification: Likely benign. Review status: no assertion criteria provided. Collection method: clinical testing. Allele origin: germline. Affected: yes. Study: VKGL Data-share Consensus. Not counted in ClinVar's aggregate classification.

Genome Diagnostics Laboratory, University Medical Center Utrecht
Classification: Benign. Review status: no assertion criteria provided. Collection method: clinical testing. Allele origin: germline. Affected: yes. Study: VKGL Data-share Consensus. Not counted in ClinVar's aggregate classification.

Joint Genome Diagnostic Labs from Nijmegen and Maastricht, Radboudumc and MUMC+
Classification: Benign. Review status: no assertion criteria provided. Collection method: clinical testing. Allele origin: germline. Affected: yes. Study: VKGL Data-share Consensus. Not counted in ClinVar's aggregate classification.

Literature cited by the submitters: PubMed 17105751 (cited by Laboratory for Molecular Medicine, Mass General Brigham Personalized Medicine and Women's Health and Genetics/Laboratory Corporation of America, LabCorp); PubMed 19039334 (cited by Laboratory for Molecular Medicine, Mass General Brigham Personalized Medicine and Women's Health and Genetics/Laboratory Corporation of America, LabCorp); PubMed 23299917 (cited by Women's Health and Genetics/Laboratory Corporation of America, LabCorp); PubMed 21606396 (cited by Women's Health and Genetics/Laboratory Corporation of America, LabCorp); PubMed 25445213 (cited by Women's Health and Genetics/Laboratory Corporation of America, LabCorp); PubMed 26230511 (cited by Women's Health and Genetics/Laboratory Corporation of America, LabCorp); PubMed 19569224 (cited by Women's Health and Genetics/Laboratory Corporation of America, LabCorp); PubMed 23671136 (cited by Women's Health and Genetics/Laboratory Corporation of America, LabCorp); PubMed 20857253 (cited by Women's Health and Genetics/Laboratory Corporation of America, LabCorp); PubMed 25332820 (cited by Women's Health and Genetics/Laboratory Corporation of America, LabCorp); PubMed 20603720 (cited by Women's Health and Genetics/Laboratory Corporation of America, LabCorp); PubMed 25637381 (cited by Women's Health and Genetics/Laboratory Corporation of America, LabCorp); PubMed 18678517 (cited by Women's Health and Genetics/Laboratory Corporation of America, LabCorp); PubMed 18382419 (cited by Women's Health and Genetics/Laboratory Corporation of America, LabCorp); PubMed 24704780 (cited by Women's Health and Genetics/Laboratory Corporation of America, LabCorp); PubMed 20031616 (cited by Women's Health and Genetics/Laboratory Corporation of America, LabCorp); PubMed 21606390 (cited by Women's Health and Genetics/Laboratory Corporation of America, LabCorp); PubMed 24082139 (cited by Women's Health and Genetics/Laboratory Corporation of America, LabCorp); PubMed 24055113 (cited by Women's Health and Genetics/Laboratory Corporation of America, LabCorp); PubMed 21397041 (cited by Women's Health and Genetics/Laboratory Corporation of America, LabCorp).

NM_001943.5(DSG2):c.473T>G (p.Val158Gly)

Gene: DSG2 (desmoglein 2; plus strand). Cytogenetic location: 18q12.1.
Variant type: single nucleotide variant.
Coding change: c.473T>G on transcript NM_001943.5 (MANE Select); coding-DNA position 473, T replaced by G.
Protein change: p.Val158Gly; replaces valine 158 with glycine.
Molecular consequence: missense variant.
Genome position (GRCh38, 1-based): chr18:31,521,193, T>G. VCF-style: chr18-31521193-T-G. GRCh37 (hg19) VCF-style: chr18-29101156-T-G.
Other names: p.V158G:GTG>GGG; short protein forms V158G.
Identifiers: ClinVar variation 44319 (VCV000044319.84), dbSNP rs191143292, ClinGen allele CA022124.